The following is an entry in ClinVar:

ClinVar aggregate classification (germline): Uncertain significance. Review status: criteria provided, single submitter (1 of 4 stars). 2 submissions from 2 submitters: Uncertain significance (1). 1 of the submissions does not count toward it. Last evaluated 2022-12-06.

Conditions:
Autosomal recessive limb-girdle muscular dystrophy type 2D (LGMDR3). Also called: ADHALINOPATHY, PRIMARY; MUSCULAR DYSTROPHY, LIMB-GIRDLE, AUTOSOMAL RECESSIVE 3; DUCHENNE-LIKE AUTOSOMAL RECESSIVE MUSCULAR DYSTROPHY, TYPE 2. Identifiers: Orphanet 62, MedGen C2936332, MONDO:0011968, OMIM 608099. Disease mechanism: Affects gamma-sarcoglycan and also disrupts the integrity of the entire sarcoglycan complex..

Allele frequency attached by ClinVar (database versions not stated): ExAC below 0.00001; gnomAD 0.00001; gnomAD exomes 0.00001; TOPMed 0.00001.
gnomAD v4.1: 8 of 1,560,980 alleles (0.00051%); highest among the groups gnomAD compares: Non-Finnish European, 0.00069%; no homozygotes.

Submissions (2):

Labcorp Genetics (formerly Invitae), Labcorp
Classification: Uncertain significance for Autosomal recessive limb-girdle muscular dystrophy type 2D. Last evaluated: 2022-12-06. Review status: criteria provided, single submitter. Criteria: Invitae Variant Classification Sherloc (09022015). Collection method: clinical testing. Allele origin: germline.
Comment: Advanced modeling of protein sequence and biophysical properties (such as structural, functional, and spatial information, amino acid conservation, physicochemical variation, residue mobility, and thermodynamic stability) performed at Invitae indicates that this missense variant is not expected to disrupt SGCA protein function. ClinVar contains an entry for this variant (Variation ID: 572580). This variant has not been reported in the literature in individuals affected with SGCA-related conditions. This variant is not present in population databases (gnomAD no frequency). This sequence change replaces alanine, which is neutral and non-polar, with valine, which is neutral and non-polar, at codon 325 of the SGCA protein (p.Ala325Val). In summary, the available evidence is currently insufficient to determine the role of this variant in disease. Therefore, it has been classified as a Variant of Uncertain Significance.

Natera, Inc.
Classification: Uncertain significance for Limb-girdle muscular dystrophy type 2D. Last evaluated: 2021-07-06. Review status: no assertion criteria provided. Collection method: clinical testing. Allele origin: germline. Not counted in ClinVar's aggregate classification.

NM_000023.4(SGCA):c.974C>T (p.Ala325Val)

Gene: SGCA (sarcoglycan alpha; plus strand). Cytogenetic location: 17q21.33.
Variant type: single nucleotide variant.
Coding change: c.974C>T on transcript NM_000023.4 (MANE Select); coding-DNA position 974, C replaced by T.
Protein change: p.Ala325Val; replaces alanine 325 with valine.
Molecular consequence: missense variant. On other transcripts: non-coding transcript variant (1).
Genome position (GRCh38, 1-based): chr17:50,170,657, C>T. VCF-style: chr17-50170657-C-T. GRCh37 (hg19) VCF-style: chr17-48248018-C-T.
Other names: c.602C>T, p.Ala201Val (NM_001135697.3); short protein forms A325V, A201V.
Identifiers: ClinVar variation 572580 (VCV000572580.12), dbSNP rs780200261, ClinGen allele CA8643976.